The following is an entry in ClinVar:

ClinVar aggregate classification (germline): Uncertain significance (1 of 4 stars; one submission).

gnomAD v4.1: 1 of 1,612,578 alleles (0.000062%); highest among the groups gnomAD compares: South Asian, 0.0011%; no homozygotes.

Submission:

Ambry Genetics
Classification: Uncertain significance. Last evaluated: 2024-04-19. Review status: criteria provided, single submitter. Criteria: Ambry Variant Classification Scheme 2023. Collection method: clinical testing. Allele origin: germline.
Comment: The p.T17I variant (also known as c.50C>T), located in coding exon 1 of the ALPK2 gene, results from a C to T substitution at nucleotide position 50. The threonine at codon 17 is replaced by isoleucine, an amino acid with similar properties. This amino acid position is conserved. In addition, this alteration is predicted to be tolerated by in silico analysis. Based on the available evidence, the clinical significance of this variant remains unclear.

NM_052947.4(ALPK2):c.50C>T (p.Thr17Ile)

Gene: ALPK2 (alpha kinase 2; minus strand). Cytogenetic location: 18q21.32.
Variant type: single nucleotide variant.
Coding change: c.50C>T on transcript NM_052947.4 (MANE Select); coding-DNA position 50, C replaced by T.
Protein change: p.Thr17Ile; replaces threonine 17 with isoleucine.
Molecular consequence: missense variant.
Genome position (GRCh38, 1-based): chr18:58,611,748, G>A on the plus strand (C>T on the coding strand, the complement: ALPK2 is on the minus strand). VCF-style: chr18-58611748-G-A. GRCh37 (hg19) VCF-style: chr18-56278980-G-A.
Other names: short protein forms T17I.
Identifiers: ClinVar variation 3290136 (VCV003290136.1).